The following is an entry in ClinVar:

NM_002067.5(GNA11):c.724T>G (p.Ser242Ala)

Gene: GNA11 (G protein subunit alpha 11; plus strand). Cytogenetic location: 19p13.3.
Variant type: single nucleotide variant.
Coding change: c.724T>G on transcript NM_002067.5 (MANE Select); coding-DNA position 724, T replaced by G.
Protein change: p.Ser242Ala; replaces serine 242 with alanine.
Molecular consequence: missense variant.
Genome position (GRCh38, 1-based): chr19:3,119,042, T>G. VCF-style: chr19-3119042-T-G. GRCh37 (hg19) VCF-style: chr19-3119040-T-G.
Other names: short protein forms S242A.
Identifiers: ClinVar variation 2891709 (VCV002891709.3), dbSNP rs1007967128, ClinGen allele CA304329352.

ClinVar aggregate classification (germline): Uncertain significance (1 of 4 stars; one submission).

Allele frequency attached by ClinVar (database versions not stated): gnomAD 0.00001; TOPMed 0.00001.

Submission:

Labcorp Genetics (formerly Invitae), Labcorp
Classification: Uncertain significance. Last evaluated: 2023-09-26. Review status: criteria provided, single submitter. Criteria: Invitae Variant Classification Sherloc (09022015). Collection method: clinical testing. Allele origin: germline.
Comment: Advanced modeling of protein sequence and biophysical properties (such as structural, functional, and spatial information, amino acid conservation, physicochemical variation, residue mobility, and thermodynamic stability) performed at Invitae indicates that this missense variant is not expected to disrupt GNA11 protein function. In summary, the available evidence is currently insufficient to determine the role of this variant in disease. Therefore, it has been classified as a Variant of Uncertain Significance. This variant has not been reported in the literature in individuals affected with GNA11-related conditions. This variant is present in population databases (no rsID available, gnomAD 0.0009%). This sequence change replaces serine, which is neutral and polar, with alanine, which is neutral and non-polar, at codon 242 of the GNA11 protein (p.Ser242Ala).